The following is an entry in ClinVar:

NC_000015.9:g.(?_44884509)_(44884656_?)del

Gene: SPG11 (SPG11 vesicle trafficking associated, spatacsin; minus strand). Cytogenetic location: 15q21.1.
Variant type: Deletion.
Identifiers: ClinVar variation 2426919 (VCV002426919.4).

ClinVar aggregate classification (germline): Pathogenic (1 of 4 stars; one submission).

Conditions:
Hereditary spastic paraplegia 11. Also called: Nakamura Osame syndrome; Autosomal recessive hereditary spastic paraplegia, mental impairment, and thin corpus callosum; Spastic Paraplegia 11; Spastic paraplegia, mental retardation and thin corpus callosum; SPASTIC PARAPLEGIA, AUTOSOMAL RECESSIVE, COMPLICATED, WITH THIN CORPUS CALLOSUM; SPASTIC PARAPLEGIA, AUTOSOMAL RECESSIVE, WITH MENTAL IMPAIRMENT AND THIN CORPUS CALLOSUM. Identifiers: Orphanet 2822, MedGen C1858479, MONDO:0011445, OMIM 604360.

Submission:

Labcorp Genetics (formerly Invitae), Labcorp
Classification: Pathogenic for Hereditary spastic paraplegia 11. Last evaluated: 2021-12-15. Review status: criteria provided, single submitter. Criteria: Invitae Variant Classification Sherloc (09022015). Collection method: clinical testing. Allele origin: germline.
Comment: For these reasons, this variant has been classified as Pathogenic. A similar copy number variant has been observed in individuals with hereditary spastic paraplegia (PMID: 27957547, 32007754). This variant is a gross deletion of the genomic region encompassing exon(s) 27 of the SPG11 gene. This variant would be expected to be in-frame, preserving the integrity of the reading frame.

Literature cited by the submitters: PubMed 27957547; PubMed 32007754.